The following is an entry in ClinVar:

NM_002471.4(MYH6):c.2540C>T (p.Thr847Met)

Gene: MYH6 (myosin heavy chain 6; minus strand). Cytogenetic location: 14q11.2.
Variant type: single nucleotide variant.
Coding change: c.2540C>T on transcript NM_002471.4 (MANE Select); coding-DNA position 2540, C replaced by T.
Protein change: p.Thr847Met; replaces threonine 847 with methionine.
Molecular consequence: missense variant.
Genome position (GRCh38, 1-based): chr14:23,394,213, G>A on the plus strand (C>T on the coding strand, the complement: MYH6 is on the minus strand). VCF-style: chr14-23394213-G-A. GRCh37 (hg19) VCF-style: chr14-23863422-G-A.
Other names: short protein forms T847M.
Identifiers: ClinVar variation 312869 (VCV000312869.14), dbSNP rs759408374, ClinGen allele CA7115440.

ClinVar aggregate classification (germline): Uncertain significance. Review status: criteria provided, multiple submitters, no conflicts (2 of 4 stars). 5 submissions from 5 submitters: Uncertain significance (5). Last evaluated 2026-06-16.

Conditions:
MYH6-related disorder. Also called: MYH6-Related Disorders; MYH6-related condition.
Cardiovascular phenotype. Identifiers: MedGen CN230736.
Hypertrophic cardiomyopathy 14. Identifiers: MedGen C2750467, MONDO:0013197, OMIM 613251.

Allele frequency attached by ClinVar (database versions not stated): TOPMed 0.00001; gnomAD 0.00003; ExAC 0.00004.

Submissions (5):

PreventionGenetics, part of Exact Sciences
Classification: Uncertain significance for MYH6-related condition. Last evaluated: 2026-06-16. Review status: criteria provided, single submitter. Criteria: ACMG Guidelines, 2015. Collection method: clinical testing. Allele origin: germline.
Comment: The MYH6 c.2540C>T variant is predicted to result in the amino acid substitution p.Thr847Met. This variant has been reported in individuals with hypertrophic cardiomyopathy, left ventricular noncompaction cardiomyopathy, or sudden cardiac arrest. However, some of these individuals also carried additional variants, including a MYBPC3 nonsense variant which could explain the clinical feature (online supplementary file 2, van Lint et al. 2019. PubMed ID: 30847666; Table S2, Mazzarotto et al. 2021. PubMed ID: 33500567; Girolami et al. 2022. PubMed ID: 36588553). This variant is reported in 0.0097% of alleles in individuals of European (Non-Finnish) descent in gnomAD. At this time, the clinical significance of this variant is uncertain due to the absence of conclusive functional and genetic evidence.

Labcorp Genetics (formerly Invitae), Labcorp
Classification: Uncertain significance for Hypertrophic cardiomyopathy 14. Last evaluated: 2025-11-12. Review status: criteria provided, single submitter. Criteria: Invitae Variant Classification Sherloc (09022015). Collection method: clinical testing. Allele origin: germline.
Comment: This sequence change replaces threonine, which is neutral and polar, with methionine, which is neutral and non-polar, at codon 847 of the MYH6 protein (p.Thr847Met). This variant is present in population databases (rs759408374, gnomAD 0.008%). This missense change has been observed in individual(s) with MYH6-related conditions (PMID: 30847666, 33500567). ClinVar contains an entry for this variant (Variation ID: 312869). Invitae Evidence Modeling of protein sequence and biophysical properties (such as structural, functional, and spatial information, amino acid conservation, physicochemical variation, residue mobility, and thermodynamic stability) indicates that this missense variant is expected to disrupt MYH6 protein function with a positive predictive value of 80%. In summary, the available evidence is currently insufficient to determine the role of this variant in disease. Therefore, it has been classified as a Variant of Uncertain Significance.

GeneDx
Classification: Uncertain significance. Last evaluated: 2024-01-09. Review status: criteria provided, single submitter. Criteria: GeneDx Variant Classification Process June 2021. Collection method: clinical testing. Allele origin: germline. Affected: yes.
Comment: Reported in individuals with arrhythmogenic right ventricular cardiomyopathy (ARVC) and left ventricular non-compaction (LVNC) in published literature; however, detailed clinical information was not provided (PMID: 30847666, 33500567); In silico analysis supports that this missense variant has a deleterious effect on protein structure/function; This variant is associated with the following publications: (PMID: 33500567, 30847666)

Petrovsky National Research Centre of Surgery, The Federal Agency for Scientific Organizations
Classification: Uncertain significance for Hypertrophic cardiomyopathy 14. Last evaluated: 2022-10-18. Review status: criteria provided, single submitter. Criteria: ACMG Guidelines, 2015. Collection method: clinical testing. Allele origin: germline. Inheritance: Autosomal dominant inheritance. Affected: yes. Observed: 1 heterozygote.
Comment: This variant is located in helical chain of hydrophobic pocket where another variant p.Ile820Asn was found to have a significant reduction in function (PMID:15735645). The variant is in Genome Aggregation Database (gnomAD) with total MAF 0.00004374 (Date of access 12-10-2022). ClinVar contains entry on this variant (Variation ID: 312869). In silico predictions show "Uncertain significance" based on calibrated prediction. In accordance with ACMG(2015) criteria this variant is classified as Variant of Uncertain Significance (VUS) with following criteria selected: PM1_supporting, PM2.

Ambry Genetics
Classification: Uncertain significance for Cardiovascular phenotype. Last evaluated: 2020-08-18. Review status: criteria provided, single submitter. Criteria: Ambry Variant Classification Scheme 2023. Collection method: clinical testing. Allele origin: germline.
Comment: The p.T847M variant (also known as c.2540C>T), located in coding exon 19 of the MYH6 gene, results from a C to T substitution at nucleotide position 2540. The threonine at codon 847 is replaced by methionine, an amino acid with similar properties. This variant was detected in two individuals from a cardiomyopathy cohort, which included a hypertrophic cardiomyopathy (HCM) case with an MYBPC3 nonsense variant also reported (van Lint FHM et al. Neth Heart J, 2019 Jun;27:304-309). This amino acid position is well conserved in available vertebrate species. In addition, the in silico prediction for this alteration is inconclusive. Since supporting evidence is limited at this time, the clinical significance of this alteration remains unclear.

Literature cited by the submitters: PubMed 30847666 (cited by Labcorp Genetics (formerly Invitae), Labcorp and Ambry Genetics); PubMed 33500567 (cited by Labcorp Genetics (formerly Invitae), Labcorp); PubMed 15735645 (cited by Petrovsky National Research Centre of Surgery, The Federal Agency for Scientific Organizations).